The following is an entry in ClinVar:

NM_000069.3(CACNA1S):c.1001G>C (p.Ser334Thr)

Gene: CACNA1S (calcium voltage-gated channel subunit alpha1 S; minus strand). Cytogenetic location: 1q32.1.
Variant type: single nucleotide variant.
Coding change: c.1001G>C on transcript NM_000069.3 (MANE Select); coding-DNA position 1001, G replaced by C.
Protein change: p.Ser334Thr; replaces serine 334 with threonine.
Molecular consequence: missense variant.
Genome position (GRCh38, 1-based): chr1:201,087,829, C>G on the plus strand (G>C on the coding strand, the complement: CACNA1S is on the minus strand). VCF-style: chr1-201087829-C-G. GRCh37 (hg19) VCF-style: chr1-201056957-C-G.
Other names: c.1001G>C (NM_000069.2); short protein forms S334T.
Identifiers: ClinVar variation 1041849 (VCV001041849.31), dbSNP rs1019448884, ClinGen allele CA35992516.

ClinVar aggregate classification (germline): Uncertain significance. Review status: criteria provided, multiple submitters, no conflicts (2 of 4 stars). 4 submissions from 4 submitters: Uncertain significance (4). Last evaluated 2026-07-17.

Conditions:
Malignant hyperthermia, susceptibility to, 5 (MHS5). Also called: CACNA1S-Related Malignant Hyperthermia Susceptibility. Identifiers: Orphanet 423, MedGen C1866077, MONDO:0011163, OMIM 601887.
Hypokalemic periodic paralysis, type 1. Also called: Hypokalemic Periodic Paralysis Type 1 (AD); HypoPP. Identifiers: Orphanet 681, MedGen C3714580, MONDO:0042979, OMIM 170400.

Allele frequency attached by ClinVar (database versions not stated): gnomAD 0.00001; gnomAD exomes 0.00001 and 0.00002.
gnomAD v4.1: 34 of 1,609,346 alleles (0.0021%); highest among the groups gnomAD compares: Non-Finnish European, 0.0027%; no homozygotes.

Submissions (4):

GeneDx
Classification: Uncertain significance. Last evaluated: 2026-07-17. Review status: criteria provided, single submitter. Criteria: GeneDx Variant Classification Process June 2021. Collection method: clinical testing. Allele origin: germline.
Comment: Not observed at significant frequency in large population cohorts (gnomAD); In silico analysis supports that this missense variant has a deleterious effect on protein structure/function; Has not been previously published as pathogenic or benign to our knowledge

Color Diagnostics, LLC DBA Color Health
Classification: Uncertain significance for Malignant hyperthermia, susceptibility to, 5. Last evaluated: 2025-07-08. Review status: criteria provided, single submitter. Criteria: ACMG Guidelines, 2015. Collection method: clinical testing. Allele origin: germline.
Comment: This missense variant replaces serine with threonine at codon 334 of the CACNA1S protein. Computational prediction suggests that this variant may have deleterious impact on protein structure and function. To our knowledge, functional studies have not been reported for this variant. This variant has not been reported in individuals affected with CACNA1S-related disorders in the literature. This variant has been identified in 2/251278 chromosomes in the general population by the Genome Aggregation Database (gnomAD). The available evidence is insufficient to determine the role of this variant in disease conclusively. Therefore, this variant is classified as a Variant of Uncertain Significance.

CeGaT Center for Human Genetics Tuebingen
Classification: Uncertain significance. Last evaluated: 2024-02-01. Review status: criteria provided, single submitter. Criteria: CeGaT Center For Human Genetics Tuebingen Variant Classification Criteria Version 2. Collection method: clinical testing. Allele origin: germline. Affected: yes. Observed: 1 variant allele.
Comment: CACNA1S: PP3

Labcorp Genetics (formerly Invitae), Labcorp
Classification: Uncertain significance for Hypokalemic periodic paralysis, type 1; Malignant hyperthermia, susceptibility to, 5. Last evaluated: 2021-08-27. Review status: criteria provided, single submitter. Criteria: Invitae Variant Classification Sherloc (09022015). Collection method: clinical testing. Allele origin: germline.
Comment: This sequence change replaces serine with threonine at codon 334 of the CACNA1S protein (p.Ser334Thr). The serine residue is highly conserved and there is a small physicochemical difference between serine and threonine. This variant is not present in population databases (ExAC no frequency). This variant has not been reported in the literature in individuals affected with CACNA1S-related conditions. Algorithms developed to predict the effect of missense changes on protein structure and function are either unavailable or do not agree on the potential impact of this missense change (SIFT: "Deleterious"; PolyPhen-2: "Benign"; Align-GVGD: "Class C0"). In summary, the available evidence is currently insufficient to determine the role of this variant in disease. Therefore, it has been classified as a Variant of Uncertain Significance.